The following is an entry in ClinVar:

ClinVar aggregate classification (germline): Uncertain significance (1 of 4 stars; one submission).

gnomAD v4.1: 1 of 1,609,318 alleles (0.000062%); highest among the groups gnomAD compares: East Asian, 0.0022%; no homozygotes.

Submission:

GeneDx
Classification: Uncertain significance. Last evaluated: 2023-05-24. Review status: criteria provided, single submitter. Criteria: GeneDx Variant Classification Process June 2021. Collection method: clinical testing. Allele origin: germline. Affected: yes.
Comment: Not observed at significant frequency in large population cohorts (gnomAD); In silico analysis supports that this missense variant does not alter protein structure/function; Has not been previously published as pathogenic or benign to our knowledge

NM_016333.4(SRRM2):c.8063C>G (p.Ser2688Cys)

Gene: SRRM2 (serine/arginine repetitive matrix 2; plus strand). Cytogenetic location: 16p13.3.
Variant type: single nucleotide variant.
Coding change: c.8063C>G on transcript NM_016333.4 (MANE Select); coding-DNA position 8063, C replaced by G.
Protein change: p.Ser2688Cys; replaces serine 2688 with cysteine.
Molecular consequence: missense variant.
Genome position (GRCh38, 1-based): chr16:2,770,393, C>G. VCF-style: chr16-2770393-C-G. GRCh37 (hg19) VCF-style: chr16-2820394-C-G.
Other names: short protein forms S2688C.
Identifiers: ClinVar variation 3343772 (VCV003343772.1).